The following is an entry in ClinVar:

ClinVar aggregate classification (germline): Uncertain significance (1 of 4 stars; one submission).

Conditions:
T-B+ severe combined immunodeficiency due to JAK3 deficiency. Also called: SCID, autosomal recessive, T-negative/B-positive type; SCID, T CELL-NEGATIVE, B CELL-POSITIVE, NK CELL-NEGATIVE. Identifiers: Orphanet 35078, MedGen C1833275, MONDO:0010938, OMIM 600802.

Allele frequency attached by ClinVar (database versions not stated): gnomAD 0.00001; TOPMed 0.00003.
gnomAD v4.1: 28 of 1,614,036 alleles (0.0017%); highest among the groups gnomAD compares: African/African-American, 0.0093%; no homozygotes.

Submission:

Labcorp Genetics (formerly Invitae), Labcorp
Classification: Uncertain significance for T-B+ severe combined immunodeficiency due to JAK3 deficiency. Last evaluated: 2021-08-24. Review status: criteria provided, single submitter. Criteria: Invitae Variant Classification Sherloc (09022015). Collection method: clinical testing. Allele origin: germline.
Comment: This sequence change replaces arginine with glutamine at codon 697 of the JAK3 protein (p.Arg697Gln). The arginine residue is weakly conserved and there is a small physicochemical difference between arginine and glutamine. This variant is present in population databases (rs200849846, ExAC 0.01%). This variant has not been reported in the literature in individuals affected with JAK3-related conditions. Algorithms developed to predict the effect of missense changes on protein structure and function output the following: SIFT: "Tolerated"; PolyPhen-2: "Benign"; Align-GVGD: "Class C0". The glutamine amino acid residue is found in multiple mammalian species, which suggests that this missense change does not adversely affect protein function. Algorithms developed to predict the effect of sequence changes on RNA splicing suggest that this variant may create or strengthen a splice site. In summary, the available evidence is currently insufficient to determine the role of this variant in disease. Therefore, it has been classified as a Variant of Uncertain Significance.

NM_000215.4(JAK3):c.2090G>A (p.Arg697Gln)

Gene: JAK3 (Janus kinase 3; minus strand). Cytogenetic location: 19p13.11.
Variant type: single nucleotide variant.
Coding change: c.2090G>A on transcript NM_000215.4 (MANE Select); coding-DNA position 2090, G replaced by A.
Protein change: p.Arg697Gln; replaces arginine 697 with glutamine.
Molecular consequence: missense variant.
Genome position (GRCh38, 1-based): chr19:17,834,961, C>T on the plus strand (G>A on the coding strand, the complement: JAK3 is on the minus strand). VCF-style: chr19-17834961-C-T. GRCh37 (hg19) VCF-style: chr19-17945770-C-T.
Other names: short protein forms R697Q.
Identifiers: ClinVar variation 861796 (VCV000861796.7), dbSNP rs200849846, ClinGen allele CA9301684.